The following is an entry in ClinVar:

NM_022455.5(NSD1):c.5724del (p.Ser1909fs)

Gene: NSD1 (nuclear receptor binding SET domain protein 1; plus strand). Cytogenetic location: 5q35.3.
Variant type: Deletion.
Coding change: c.5724del on transcript NM_022455.5 (MANE Select); coding-DNA position 5724, one base deleted (C; older notation c.5724delC).
Protein change: p.Ser1909fs; shifts the reading frame from serine 1909.
Molecular consequence: frameshift variant.
Genome position (GRCh38, 1-based): chr5:177,280,666, C deleted. VCF-style (leftmost placement, unchanged base first): chr5-177280665-AC-A. GRCh37 (hg19) VCF-style: chr5-176707666-AC-A.
Other names: c.5724delC, p.Ser1909Leufs (NM_001409303.1, NM_001409301.1, NM_001409302.1); c.5304delC, p.Ser1769Leufs (NM_001409304.1); c.4971delC, p.Ser1658Leufs (NM_001409305.1); c.4962delC, p.Ser1655Leufs (NM_001409306.1, NM_001409307.1); c.4851delC, p.Ser1618Leufs (NM_001409308.1, NM_001409309.1, NM_172349.5 and 1 more transcripts); short protein forms S1640fs, S1909fs.
Identifiers: ClinVar variation 561070 (VCV000561070.3), dbSNP rs1562292879, ClinGen allele CA658822920.

ClinVar aggregate classification (germline): Pathogenic (1 of 4 stars; one submission).

Conditions:
Sotos syndrome (SOTOS). Also called: Sotos' syndrome; CHROMOSOME 5q35 DELETION SYNDROME; SOTOS SYNDROME 1; CEREBRAL GIGANTISM; Distinctive facial appearance, overgrowth in childhood, and learning disabilities or delayed development. Identifiers: Orphanet 821, MedGen C0175695, MONDO:0019349, OMIM 117550.

Submission:

Baylor Genetics
Classification: Pathogenic for Sotos syndrome. Last evaluated: 2017-09-01. Review status: criteria provided, single submitter. Criteria: ACMG Guidelines, 2015. Collection method: clinical testing. Allele origin: de novo. Inheritance: Autosomal dominant inheritance. Affected: yes.

Literature cited by the submitters: PubMed 25326635.